The following is an entry in ClinVar:

ClinVar aggregate classification (germline): Uncertain significance (1 of 4 stars; one submission).

Conditions:
Familial adenomatous polyposis 1 (FAP1). Also called: FAMILIAL ADENOMATOUS POLYPOSIS 1, ATTENUATED; POLYPOSIS, ADENOMATOUS INTESTINAL. Identifiers: MedGen C2713442, MONDO:0021056, OMIM 175100. Disease mechanism: loss of function.

Submission:

Labcorp Genetics (formerly Invitae), Labcorp
Classification: Uncertain significance for Familial adenomatous polyposis 1. Last evaluated: 2019-10-18. Review status: criteria provided, single submitter. Criteria: Invitae Variant Classification Sherloc (09022015). Collection method: clinical testing. Allele origin: germline.
Comment: Algorithms developed to predict the effect of missense changes on protein structure and function are either unavailable or do not agree on the potential impact of this missense change (SIFT: "Tolerated"; PolyPhen-2: "Possibly Damaging"; Align-GVGD: "Class C0"). This variant has not been reported in the literature in individuals with APC-related conditions. This variant is not present in population databases (ExAC no frequency). This sequence change replaces asparagine with serine at codon 1958 of the APC protein (p.Asn1958Ser). The asparagine residue is highly conserved and there is a small physicochemical difference between asparagine and serine. In summary, the available evidence is currently insufficient to determine the role of this variant in disease. Therefore, it has been classified as a Variant of Uncertain Significance.

NM_000038.6(APC):c.5873A>G (p.Asn1958Ser)

Gene: APC (APC regulator of Wnt signaling pathway; plus strand). Cytogenetic location: 5q22.2.
Variant type: single nucleotide variant.
Coding change: c.5873A>G on transcript NM_000038.6 (MANE Select); coding-DNA position 5873, A replaced by G.
Protein change: p.Asn1958Ser; replaces asparagine 1958 with serine.
Molecular consequence: missense variant.
Genome position (GRCh38, 1-based): chr5:112,841,467, A>G. VCF-style: chr5-112841467-A-G. GRCh37 (hg19) VCF-style: chr5-112177164-A-G.
Other names: c.5873A>G, p.Asn1958Ser (NM_001127510.3, NM_001354895.2); c.5819A>G, p.Asn1940Ser (NM_001127511.3); c.5927A>G, p.Asn1976Ser (NM_001354896.2); c.5903A>G, p.Asn1968Ser (NM_001354897.2); c.5798A>G, p.Asn1933Ser (NM_001354898.2); c.5789A>G, p.Asn1930Ser (NM_001354899.2); c.5750A>G, p.Asn1917Ser (NM_001354900.2); c.5696A>G, p.Asn1899Ser (NM_001354901.2); and 5 more; short protein forms N1857S, N1899S, N1933S, N1675S, N1832S, N1917S, N1976S, N1798S.
Identifiers: ClinVar variation 940082 (VCV000940082.11), dbSNP rs1060503306, ClinGen allele CA16034182.